The following is an entry in ClinVar:

NM_006892.4(DNMT3B):c.445C>T (p.Arg149Trp)

Gene: DNMT3B (DNA methyltransferase 3 beta; plus strand). Cytogenetic location: 20q11.21.
Variant type: single nucleotide variant.
Coding change: c.445C>T on transcript NM_006892.4 (MANE Select); coding-DNA position 445, C replaced by T.
Protein change: p.Arg149Trp; replaces arginine 149 with tryptophan.
Molecular consequence: missense variant.
Genome position (GRCh38, 1-based): chr20:32,787,242, C>T. VCF-style: chr20-32787242-C-T. GRCh37 (hg19) VCF-style: chr20-31375048-C-T.
Other names: c.319C>T, p.Arg107Trp (NM_001207055.2); c.217C>T, p.Arg73Trp (NM_001207056.2); c.445C>T, p.Arg149Trp (NM_175848.2, NM_175849.2); c.481C>T, p.Arg161Trp (NM_175850.3); short protein forms R107W, R161W, R149W, R73W.
Identifiers: ClinVar variation 861561 (VCV000861561.8), dbSNP rs200405601, ClinGen allele CA9810218.
Genomic context (GRCh38, chr20:32,787,242, plus strand): 5'-ACCGACATCCTTTGCTCTGGCCCAAACTATGTGTCCTTCTGTCCACAGTCCCTGAGACGG[C>T]GGGCAACAGCATCGGCAGGAACGCCATGGCCGTCCCCTCCCAGCTCTTACCTTACCATCG-3'
Protein context (NP_008823.1, residues 139-159): EFPATRSLRR[Arg149Trp]ATASAGTPWP

ClinVar aggregate classification (germline): Uncertain significance. Review status: criteria provided, multiple submitters, no conflicts (2 of 4 stars). 2 submissions from 2 submitters: Uncertain significance (2). Last evaluated 2024-10-09.

Conditions:
Centromeric instability of chromosomes 1,9 and 16 and immunodeficiency (ICF1). Also called: CENTROMERIC INSTABILITY, IMMUNODEFICIENCY SYNDROME; IMMUNE DEFICIENCY, VARIABLE, WITH CENTROMERIC INSTABILITY OF CHROMOSOMES 1, 9, AND 16; IMMUNODEFICIENCY SYNDROME, VARIABLE; Immunodeficiency-centromeric instability-facial anomalies. Identifiers: Orphanet 2268, MedGen C0398788, MONDO:0000133.
Inborn genetic diseases. Identifiers: MedGen C0950123, MeSH D030342.

Allele frequency attached by ClinVar (database versions not stated): gnomAD 0.00001 and 0.00002; TOPMed 0.00001; gnomAD exomes 0.00005 and 0.00006; ExAC 0.00007; 1000 Genomes Project 30x 0.00016; 1000 Genomes Project 0.00020.
gnomAD v4.1: 77 of 1,614,256 alleles (0.0048%); highest among the groups gnomAD compares: Middle Eastern, 0.016%; no homozygotes.

Submissions (2):

Ambry Genetics
Classification: Uncertain significance for Inborn genetic diseases. Last evaluated: 2024-10-09. Review status: criteria provided, single submitter. Criteria: Ambry Variant Classification Scheme 2023. Collection method: clinical testing. Allele origin: germline.

Labcorp Genetics (formerly Invitae), Labcorp
Classification: Uncertain significance for Centromeric instability of chromosomes 1,9 and 16 and immunodeficiency. Last evaluated: 2022-08-22. Review status: criteria provided, single submitter. Criteria: Invitae Variant Classification Sherloc (09022015). Collection method: clinical testing. Allele origin: germline.
Comment: This sequence change replaces arginine, which is basic and polar, with tryptophan, which is neutral and slightly polar, at codon 149 of the DNMT3B protein (p.Arg149Trp). This variant is present in population databases (rs200405601, gnomAD 0.02%). This variant has not been reported in the literature in individuals affected with DNMT3B-related conditions. ClinVar contains an entry for this variant (Variation ID: 861561). Algorithms developed to predict the effect of missense changes on protein structure and function are either unavailable or do not agree on the potential impact of this missense change (SIFT: "Deleterious"; PolyPhen-2: "Probably Damaging"; Align-GVGD: "Class C0"). Algorithms developed to predict the effect of sequence changes on RNA splicing suggest that this variant may create or strengthen a splice site. In summary, the available evidence is currently insufficient to determine the role of this variant in disease. Therefore, it has been classified as a Variant of Uncertain Significance.